The following is an entry in ClinVar:

NM_001042492.3(NF1):c.2380del (p.Tyr794fs)

Gene: NF1 (neurofibromin 1; plus strand). Cytogenetic location: 17q11.2.
Variant type: Deletion.
Coding change: c.2380del on transcript NM_001042492.3 (MANE Select); coding-DNA position 2380, one base deleted (T; older notation c.2380delT).
Protein change: p.Tyr794fs; shifts the reading frame from tyrosine 794.
Molecular consequence: frameshift variant.
Genome position (GRCh38, 1-based): chr17:31,227,577, T deleted. VCF-style (leftmost placement, unchanged base first): chr17-31227576-CT-C. GRCh37 (hg19) VCF-style: chr17-29554594-CT-C.
Other names: c.2380delT (NM_000267.3); c.2380delT, p.Tyr794Ilefs (NM_000267.4); short protein forms Y794fs.
Identifiers: ClinVar variation 572818 (VCV000572818.5), dbSNP rs1567848178, ClinGen allele CA891844368.
Genomic context (GRCh38, chr17:31,227,576, plus strand): 5'-ATTTTAGGCTTGGGAAGATACACATGCAAAATGGGAACAAGCAACAAAGCTAATCCTTAA[CT>C]ATCCAAAAGCCAAAATGGAAGATGGCCAGGTAAGTCTGTAAAGTTGACTTTTGTCTGTTA-3'

ClinVar aggregate classification (germline): Pathogenic (1 of 4 stars; one submission).

Conditions:
Neurofibromatosis, type 1 (NF1). Also called: Peripheral type neurofibromatosis; VON RECKLINGHAUSEN DISEASE; Neurofibromatosis, type I; NEUROFIBROMATOSIS, TYPE I, SOMATIC. Identifiers: Orphanet 636, MedGen C0027831, MONDO:0018975, OMIM 162200. Disease mechanism: loss of function.

Submission:

Labcorp Genetics (formerly Invitae), Labcorp
Classification: Pathogenic for Neurofibromatosis, type 1. Last evaluated: 2018-04-16. Review status: criteria provided, single submitter. Criteria: Invitae Variant Classification Sherloc (09022015). Collection method: clinical testing. Allele origin: germline.
Comment: This sequence change creates a premature translational stop signal (p.Tyr794Ilefs*27) in the NF1 gene. It is expected to result in an absent or disrupted protein product. This variant is not present in population databases (ExAC no frequency). This variant has not been reported in the literature in individuals with NF1-related disease. Loss-of-function variants in NF1 are known to be pathogenic (PMID: 10712197, 23913538). For these reasons, this variant has been classified as Pathogenic.

Literature cited by the submitters: PubMed 10712197; PubMed 23913538.